The following is an entry in ClinVar:

NM_017654.4(SAMD9):c.410C>T (p.Ser137Leu)

Gene: SAMD9 (sterile alpha motif domain containing 9; minus strand). Cytogenetic location: 7q21.2.
Variant type: single nucleotide variant.
Coding change: c.410C>T on transcript NM_017654.4 (MANE Select); coding-DNA position 410, C replaced by T.
Protein change: p.Ser137Leu; replaces serine 137 with leucine.
Molecular consequence: missense variant.
Genome position (GRCh38, 1-based): chr7:93,105,688, G>A on the plus strand (C>T on the coding strand, the complement: SAMD9 is on the minus strand). VCF-style: chr7-93105688-G-A. GRCh37 (hg19) VCF-style: chr7-92735001-G-A.
Other names: c.410C>T, p.Ser137Leu (NM_001193307.2); short protein forms S137L.
Identifiers: ClinVar variation 4629860 (VCV004629860.1).

ClinVar aggregate classification (germline): Uncertain significance (1 of 4 stars; one submission).

Conditions:
Inborn genetic diseases. Identifiers: MedGen C0950123, MeSH D030342.

Submission:

Ambry Genetics
Classification: Uncertain significance for Inborn genetic diseases. Last evaluated: 2025-10-09. Review status: criteria provided, single submitter. Criteria: Ambry Variant Classification Scheme 2023. Collection method: clinical testing. Allele origin: germline.
Comment: The p.S137L variant (also known as c.410C>T), located in coding exon 1 of the SAMD9 gene, results from a C to T substitution at nucleotide position 410. The serine at codon 137 is replaced by leucine, an amino acid with dissimilar properties. This amino acid position is conserved. In addition, this alteration is predicted to be tolerated by in silico analysis. Based on the available evidence, the clinical significance of this variant remains unclear.